The following is an entry in ClinVar:

ClinVar aggregate classification (germline): Likely pathogenic (1 of 4 stars; one submission).

Submission:

ARUP Laboratories, Molecular Genetics and Genomics, ARUP Laboratories
Classification: Likely pathogenic. Last evaluated: 2022-09-16. Review status: criteria provided, single submitter. Criteria: ARUP Molecular Germline Variant Investigation Process 2021. Collection method: clinical testing. Allele origin: germline.
Comment: The COL1A1 c.2705G>A; p.Gly902Asp variant, to our knowledge, is not reported in the medical literature or gene specific databases. This variant is also absent from the Genome Aggregation Database, indicating it is not a common polymorphism. The glycine at codon 902 is highly conserved, and computational analyses predict that this variant is deleterious (REVEL: 0.973). This codon is located in a Gly-X-Y triple helix repeat domain, and glycine substitutions are the most frequent pathogenic alterations in this region (Ben Amor 2011). A different variant at this codon, p.Gly902Ser, is reported in an individual affected with osteogenesis imperfecta type I (Li 2019), and classified as pathogenic in ClinVar (Variation ID: 834833). Based on available information, the p.Gly902Asp variant is considered to be likely pathogenic. References: Ben Amor I et al. Genotype-phenotype correlations in autosomal dominant osteogenesis imperfecta. J Osteoporos. 2011; 2011:540178. PMID: 21912751. Li L et al. Genotypic and phenotypic characterization of Chinese patients with osteogenesis imperfecta. Hum Mutat. 2019 May;40(5):588-600. PMID: 30715774.

NM_000088.4(COL1A1):c.2705G>A (p.Gly902Asp)

Gene: COL1A1 (collagen type I alpha 1 chain; minus strand). Cytogenetic location: 17q21.33.
Variant type: single nucleotide variant.
Coding change: c.2705G>A on transcript NM_000088.4 (MANE Select); coding-DNA position 2705, G replaced by A.
Protein change: p.Gly902Asp; replaces glycine 902 with aspartic acid.
Molecular consequence: missense variant.
Genome position (GRCh38, 1-based): chr17:50,189,501, C>T on the plus strand (G>A on the coding strand, the complement: COL1A1 is on the minus strand). VCF-style: chr17-50189501-C-T. GRCh37 (hg19) VCF-style: chr17-48266862-C-T.
Other names: short protein forms G902D.
Identifiers: ClinVar variation 2428730 (VCV002428730.3), dbSNP rs2144550499, ClinGen allele CA400205960.